The following is an entry in ClinVar:

NM_006231.4(POLE):c.500G>A (p.Arg167Lys)

Gene: POLE (DNA polymerase epsilon, catalytic subunit; minus strand). Cytogenetic location: 12q24.33.
Variant type: single nucleotide variant.
Coding change: c.500G>A on transcript NM_006231.4 (MANE Select); coding-DNA position 500, G replaced by A.
Protein change: p.Arg167Lys; replaces arginine 167 with lysine.
Molecular consequence: missense variant.
Genome position (GRCh38, 1-based): chr12:132,679,575, C>T on the plus strand (G>A on the coding strand, the complement: POLE is on the minus strand). VCF-style: chr12-132679575-C-T. GRCh37 (hg19) VCF-style: chr12-133256161-C-T.
Other names: short protein forms R167K.
Identifiers: ClinVar variation 848554 (VCV000848554.12), dbSNP rs2043123983, ClinGen allele CA387367169.

ClinVar aggregate classification (germline): Uncertain significance. Review status: criteria provided, multiple submitters, no conflicts (2 of 4 stars). 2 submissions from 2 submitters: Uncertain significance (2). Last evaluated 2026-01-26.

Conditions:
Hereditary cancer-predisposing syndrome. Also called: Tumor predisposition; Neoplastic Syndromes, Hereditary; Hereditary neoplastic syndrome; Hereditary Cancer Syndrome. Identifiers: Orphanet 140162, MedGen C0027672, MeSH D009386, MONDO:0015356.

Allele frequency attached by ClinVar (database versions not stated): gnomAD 0.00001; TOPMed 0.00001.
gnomAD v4.1: 1 of 1,613,988 alleles (0.000062%); highest among the groups gnomAD compares: Admixed American, 0.0017%; no homozygotes.

Submissions (2):

Labcorp Genetics (formerly Invitae), Labcorp
Classification: Uncertain significance. Last evaluated: 2026-01-26. Review status: criteria provided, single submitter. Criteria: Invitae Variant Classification Sherloc (09022015). Collection method: clinical testing. Allele origin: germline.
Comment: This sequence change replaces arginine, which is basic and polar, with lysine, which is basic and polar, at codon 167 of the POLE protein (p.Arg167Lys). This variant is not present in population databases (gnomAD no frequency). This variant has not been reported in the literature in individuals affected with POLE-related conditions. ClinVar contains an entry for this variant (Variation ID: 848554). Invitae Evidence Modeling of protein sequence and biophysical properties (such as structural, functional, and spatial information, amino acid conservation, physicochemical variation, residue mobility, and thermodynamic stability) indicates that this missense variant is not expected to disrupt POLE protein function with a negative predictive value of 80%. In summary, the available evidence is currently insufficient to determine the role of this variant in disease. Therefore, it has been classified as a Variant of Uncertain Significance.

Ambry Genetics
Classification: Uncertain significance for Hereditary cancer-predisposing syndrome. Last evaluated: 2023-12-31. Review status: criteria provided, single submitter. Criteria: Ambry Variant Classification Scheme 2023. Collection method: clinical testing. Allele origin: germline.
Comment: The p.R167K variant (also known as c.500G>A), located in coding exon 6 of the POLE gene, results from a G to A substitution at nucleotide position 500. The arginine at codon 167 is replaced by lysine, an amino acid with highly similar properties. This amino acid position is conserved. In addition, this alteration is predicted to be tolerated by in silico analysis. Since supporting evidence is limited at this time, the clinical significance of this alteration remains unclear.